The following is an entry in ClinVar:

NM_002834.5(PTPN11):c.40G>A (p.Val14Met)

Gene: PTPN11 (protein tyrosine phosphatase non-receptor type 11; plus strand). Cytogenetic location: 12q24.13.
Variant type: single nucleotide variant.
Coding change: c.40G>A on transcript NM_002834.5 (MANE Select); coding-DNA position 40, G replaced by A.
Protein change: p.Val14Met; replaces valine 14 with methionine.
Molecular consequence: missense variant.
Genome position (GRCh38, 1-based): chr12:112,446,301, G>A. VCF-style: chr12-112446301-G-A. GRCh37 (hg19) VCF-style: chr12-112884105-G-A.
Other names: c.40G>A, p.Val14Met (NM_001330437.2, NM_001374625.1, NM_080601.3); short protein forms V14M.
Identifiers: ClinVar variation 4532734 (VCV004532734.2).

ClinVar aggregate classification (germline): Uncertain significance. Review status: criteria provided, multiple submitters, no conflicts (2 of 4 stars). 2 submissions from 2 submitters: Uncertain significance (2). Last evaluated 2025-05-30.

Conditions:
RASopathy. Also called: rasopathies; Noonan spectrum disorder. Identifiers: Orphanet 536391, MedGen C5555857, MONDO:0021060.

Submissions (2):

GeneDx
Classification: Uncertain significance. Last evaluated: 2025-05-30. Review status: criteria provided, single submitter. Criteria: GeneDx Variant Classification Process June 2021. Collection method: clinical testing. Allele origin: germline. Affected: yes.
Comment: Not observed at significant frequency in large population cohorts (gnomAD); Missense variants in this gene are a common cause of disease and they are underrepresented in the general population; In silico analysis suggests that this missense variant does not alter protein structure/function; Has not been previously published as pathogenic or benign to our knowledge; This variant is associated with the following publications: (PMID: 29493581)

Labcorp Genetics (formerly Invitae), Labcorp
Classification: Uncertain significance for RASopathy. Last evaluated: 2025-02-10. Review status: criteria provided, single submitter. Criteria: Invitae Variant Classification Sherloc (09022015). Collection method: clinical testing. Allele origin: germline.
Comment: This sequence change replaces valine, which is neutral and non-polar, with methionine, which is neutral and non-polar, at codon 14 of the PTPN11 protein (p.Val14Met). This variant is not present in population databases (gnomAD no frequency). This variant has not been reported in the literature in individuals affected with PTPN11-related conditions. Invitae Evidence Modeling of protein sequence and biophysical properties (such as structural, functional, and spatial information, amino acid conservation, physicochemical variation, residue mobility, and thermodynamic stability) has been performed for this missense variant. However, the output from this modeling did not meet the statistical confidence thresholds required to predict the impact of this variant on PTPN11 protein function. In summary, the available evidence is currently insufficient to determine the role of this variant in disease. Therefore, it has been classified as a Variant of Uncertain Significance.